The following is an entry in ClinVar:

ClinVar aggregate classification (germline): Uncertain significance (1 of 4 stars; one submission).

gnomAD v4.1: 2 of 1,611,388 alleles (0.00012%); highest among the groups gnomAD compares: Non-Finnish European, 0.00017%; no homozygotes.

Submission:

Labcorp Genetics (formerly Invitae), Labcorp
Classification: Uncertain significance. Last evaluated: 2021-08-12. Review status: criteria provided, single submitter. Criteria: Invitae Variant Classification Sherloc (09022015). Collection method: clinical testing. Allele origin: germline.
Comment: Algorithms developed to predict the effect of missense changes on protein structure and function are either unavailable or do not agree on the potential impact of this missense change (SIFT: "Deleterious"; PolyPhen-2: "Benign"; Align-GVGD: "Class C65"). In summary, the available evidence is currently insufficient to determine the role of this variant in disease. Therefore, it has been classified as a Variant of Uncertain Significance. This variant has not been reported in the literature in individuals affected with FAR1-related conditions. This variant is not present in population databases (ExAC no frequency). This sequence change replaces lysine with asparagine at codon 386 of the FAR1 protein (p.Lys386Asn). The lysine residue is highly conserved and there is a moderate physicochemical difference between lysine and asparagine.

NM_032228.6(FAR1):c.1158A>T (p.Lys386Asn)

Gene: FAR1 (fatty acyl-CoA reductase 1; plus strand). Cytogenetic location: 11p15.3.
Variant type: single nucleotide variant.
Coding change: c.1158A>T on transcript NM_032228.6 (MANE Select); coding-DNA position 1158, A replaced by T.
Protein change: p.Lys386Asn; replaces lysine 386 with asparagine.
Molecular consequence: missense variant.
Genome position (GRCh38, 1-based): chr11:13,721,760, A>T. VCF-style: chr11-13721760-A-T. GRCh37 (hg19) VCF-style: chr11-13743307-A-T.
Other names: short protein forms K386N.
Identifiers: ClinVar variation 1521128 (VCV001521128.6), dbSNP rs781428789, ClinGen allele CA379858692.